The following is an entry in ClinVar:

ClinVar aggregate classification (germline): Likely pathogenic. Review status: criteria provided, multiple submitters, no conflicts (2 of 4 stars). 3 submissions from 3 submitters: Likely pathogenic (2). 1 of the submissions does not count toward it. Last evaluated 2024-05-08.

Conditions:
Bloom syndrome (BLM). Also called: Bloom-Torre-Machacek syndrome. Identifiers: Orphanet 125, MedGen C0005859, MONDO:0008876, OMIM 210900.

Allele frequency attached by ClinVar (database versions not stated): gnomAD exomes below 0.00001.
gnomAD v4.1: 2 of 1,609,442 alleles (0.00012%); highest among the groups gnomAD compares: South Asian, 0.0022%; no homozygotes.

Submissions (3):

Labcorp Genetics (formerly Invitae), Labcorp
Classification: Likely pathogenic for Bloom syndrome. Last evaluated: 2024-05-08. Review status: criteria provided, single submitter. Criteria: Invitae Variant Classification Sherloc (09022015). Collection method: clinical testing. Allele origin: germline.
Comment: This sequence change affects an acceptor splice site in intron 5 of the BLM gene. It is expected to disrupt RNA splicing. Variants that disrupt the donor or acceptor splice site typically lead to a loss of protein function (PMID: 16199547), and loss-of-function variants in BLM are known to be pathogenic (PMID: 17407155). This variant is not present in population databases (gnomAD no frequency). This variant has not been reported in the literature in individuals affected with BLM-related conditions. ClinVar contains an entry for this variant (Variation ID: 553777). Algorithms developed to predict the effect of sequence changes on RNA splicing suggest that this variant may disrupt the consensus splice site. In summary, the currently available evidence indicates that the variant is pathogenic, but additional data are needed to prove that conclusively. Therefore, this variant has been classified as Likely Pathogenic.

Baylor Genetics
Classification: Likely pathogenic for Bloom syndrome. Last evaluated: 2023-08-15. Review status: criteria provided, single submitter. Criteria: ACMG Guidelines, 2015. Collection method: clinical testing. Allele origin: unknown.

Counsyl
Classification: Likely pathogenic for Bloom syndrome. Last evaluated: 2017-11-14. Review status: no assertion criteria provided. Collection method: clinical testing. Allele origin: unknown. Not counted in ClinVar's aggregate classification.

Literature cited by the submitters: PubMed 16199547 (cited by Labcorp Genetics (formerly Invitae), Labcorp); PubMed 17407155 (cited by Labcorp Genetics (formerly Invitae), Labcorp).

NM_000057.4(BLM):c.1088-1G>A

Gene: BLM (BLM RecQ like helicase; plus strand). Cytogenetic location: 15q26.1.
Variant type: single nucleotide variant.
Coding change: c.1088-1G>A on transcript NM_000057.4 (MANE Select); the canonical splice acceptor site of the intron before coding-DNA position 1088, G replaced by A.
Molecular consequence: splice acceptor variant. On other transcripts: 5 prime UTR variant (1).
Genome position (GRCh38, 1-based): chr15:90,760,146, G>A. VCF-style: chr15-90760146-G-A. GRCh37 (hg19) VCF-style: chr15-91303376-G-A.
Other names: c.-39G>A (NM_001287248.2); c.1088-1G>A (NM_001287246.2, NM_001287247.2).
Identifiers: ClinVar variation 553777 (VCV000553777.6), dbSNP rs1555419696, ClinGen allele CA393842278.
Genomic context (GRCh38, chr15:90,760,146, plus strand): 5'-TAGCCAAGACTTTTTTTTTTTTCCCTCAAAGAAAAATATTAACAACATAATTATTTTATA[G>A]CTAGACAGATAAGTTTACAGCAGCAGCTTATTCATGTGATGGAGCACATCTGTAAATTAA-3'